The following is an entry in ClinVar:

NM_007078.3(LDB3):c.1086-19C>G

Gene: LDB3 (LIM domain binding 3; plus strand). Cytogenetic location: 10q23.2.
Variant type: single nucleotide variant.
Coding change: c.1086-19C>G on transcript NM_007078.3 (MANE Select); 19 bases into the intron before coding-DNA position 1086, C replaced by G.
Molecular consequence: intron variant.
Genome position (GRCh38, 1-based): chr10:86,709,886, C>G. VCF-style: chr10-86709886-C-G. GRCh37 (hg19) VCF-style: chr10-88469643-C-G.
Other names: c.897-19C>G (NM_001368064.1, NM_001368065.1); c.1101-19C>G (NM_001171610.2); c.945-19C>G (NM_001368066.1); c.756-19C>G (NM_001080114.2).
Identifiers: ClinVar variation 3706605 (VCV003706605.3).

ClinVar aggregate classification (germline): Conflicting classifications of pathogenicity. Review status: criteria provided, conflicting classifications (1 of 4 stars). 2 submissions from 2 submitters: Uncertain significance (1); Likely benign (1). Last evaluated 2025-08-16.

Conditions:
Myofibrillar myopathy 4. Also called: Zaspopathy (type). Identifiers: Orphanet 98912, MedGen C4721886, MONDO:0012277, OMIM 609452.

gnomAD v4.1: 3 of 1,606,618 alleles (0.00019%); highest among the groups gnomAD compares: Non-Finnish European, 0.00025%; no homozygotes.

Submissions (2):

Labcorp Genetics (formerly Invitae), Labcorp
Classification: Uncertain significance for Myofibrillar myopathy 4. Last evaluated: 2025-08-16. Review status: criteria provided, single submitter. Criteria: Invitae Variant Classification Sherloc (09022015). Collection method: clinical testing. Allele origin: germline.
Comment: The LDB3 gene has multiple clinically relevant transcripts. This variant occurs in alternate transcript NM_007078.3, and corresponds to NM_001080116.1:c.*10512C>G in the primary transcript. This sequence change falls in intron 8 of the LDB3 gene. It does not directly change the encoded amino acid sequence of the LDB3 protein. This variant is not present in population databases (gnomAD no frequency). This variant has not been reported in the literature in individuals affected with LDB3-related conditions. Experimental studies and prediction algorithms are not available or were not evaluated, and the effect of this variant on mRNA splicing is currently unknown. In summary, the available evidence is currently insufficient to determine the role of this variant in disease. Therefore, it has been classified as a Variant of Uncertain Significance.

Blueprint Genetics
Classification: Likely benign. Last evaluated: 2023-02-13. Review status: criteria provided, single submitter. Criteria: ACMG Guidelines, 2015. Collection method: clinical testing. Allele origin: germline.